The following is an entry in ClinVar:

NM_000520.6(HEXA):c.1087G>T (p.Val363Phe)

Gene: HEXA (hexosaminidase subunit alpha; minus strand). Cytogenetic location: 15q23.
Variant type: single nucleotide variant.
Coding change: c.1087G>T on transcript NM_000520.6 (MANE Select); coding-DNA position 1087, G replaced by T.
Protein change: p.Val363Phe; replaces valine 363 with phenylalanine.
Molecular consequence: missense variant.
Genome position (GRCh38, 1-based): chr15:72,347,745, C>A on the plus strand (G>T on the coding strand, the complement: HEXA is on the minus strand). VCF-style: chr15-72347745-C-A. GRCh37 (hg19) VCF-style: chr15-72640086-C-A.
Other names: c.1120G>T, p.Val374Phe (NM_001318825.2); short protein forms V363F, V374F.
Identifiers: ClinVar variation 2168935 (VCV002168935.1), dbSNP rs557550173, ClinGen allele CA7644808.

ClinVar aggregate classification (germline): Uncertain significance (1 of 4 stars; one submission).

Conditions:
Tay-Sachs disease (TSD). Also called: GM2 gangliosidosis, type 1; Hexosaminidase alpha-subunit deficiency (variant B); Sphingolipidosis, Tay-Sachs; Hexosaminidase A Deficiency; HEXA DEFICIENCY; HEXA Disorders. Identifiers: Orphanet 845, MedGen C0039373, MONDO:0010100, OMIM 272800.

gnomAD v4.1: 119 of 1,614,014 alleles (0.0074%); highest among the groups gnomAD compares: Non-Finnish European, 0.0097%; no homozygotes.

Submission:

Labcorp Genetics (formerly Invitae), Labcorp
Classification: Uncertain significance for Tay-Sachs disease. Last evaluated: 2018-04-12. Review status: criteria provided, single submitter. Criteria: Invitae Variant Classification Sherloc (09022015). Collection method: clinical testing. Allele origin: germline.
Comment: This sequence change replaces valine with phenylalanine at codon 363 of the HEXA protein (p.Val363Phe). The valine residue is highly conserved and there is a small physicochemical difference between valine and phenylalanine. This variant is present in population databases (rs557550173, ExAC 0.003%). This variant has not been reported in the literature in individuals with HEXA-related disease. Algorithms developed to predict the effect of missense changes on protein structure and function do not agree on the potential impact of this missense change (SIFT: "Deleterious"; PolyPhen-2: "Probably Damaging"; Align-GVGD: "Class C0"). In summary, the available evidence is currently insufficient to determine the role of this variant in disease. Therefore, it has been classified as a Variant of Uncertain Significance.